The following is an entry in ClinVar:

NM_006502.3(POLH):c.1615del (p.Leu538_Leu539insTer)

Gene: POLH (DNA polymerase eta; plus strand). Cytogenetic location: 6p21.1.
Variant type: Deletion.
Coding change: c.1615del on transcript NM_006502.3 (MANE Select); coding-DNA position 1615, one base deleted (C; older notation c.1615delC).
Protein change: p.Leu538_Leu539insTer.
Molecular consequence: nonsense. On other transcripts: 3 prime UTR variant (1).
Genome position (GRCh38, 1-based): chr6:43,614,030, C deleted. VCF-style (leftmost placement, unchanged base first): chr6-43614029-TC-T. GRCh37 (hg19) VCF-style: chr6-43581766-TC-T.
Other names: c.1243del, p.Leu414_Leu415insTer (NM_001291969.2); c.*299del (NM_001291970.2).
Identifiers: ClinVar variation 2903313 (VCV002903313.3), dbSNP rs746453564, ClinGen allele CA3827276.

ClinVar aggregate classification (germline): Pathogenic (1 of 4 stars; one submission).

Allele frequency attached by ClinVar (database versions not stated): gnomAD exomes below 0.00001; gnomAD 0.00001; ExAC 0.00002; TOPMed 0.00002; ESP Exome Variant Server 0.00008.

Submission:

Labcorp Genetics (formerly Invitae), Labcorp
Classification: Pathogenic. Last evaluated: 2023-03-08. Review status: criteria provided, single submitter. Criteria: Invitae Variant Classification Sherloc (09022015). Collection method: clinical testing. Allele origin: germline.
Comment: This sequence change creates a premature translational stop signal (p.Leu539*) in the POLH gene. While this is not anticipated to result in nonsense mediated decay, it is expected to disrupt the last 175 amino acid(s) of the POLH protein. This variant is present in population databases (rs746453564, gnomAD 0.0009%). This variant has not been reported in the literature in individuals affected with POLH-related conditions. This variant disrupts a region of the POLH protein in which other variant(s) (p.Asn555Thrfs*30) have been determined to be pathogenic (PMID: 17344931, 18368133, 24130121, 35328096). This suggests that this is a clinically significant region of the protein, and that variants that disrupt it are likely to be disease-causing. For these reasons, this variant has been classified as Pathogenic.

Literature cited by the submitters: PubMed 17344931; PubMed 18368133; PubMed 24130121; PubMed 35328096.